The following is an entry in ClinVar:

ClinVar aggregate classification (germline): Uncertain significance (1 of 4 stars; one submission).

Conditions:
Familial acute necrotizing encephalopathy (IIAE3). Also called: ENCEPHALOPATHY, ACUTE, INFECTION-INDUCED, SUSCEPTIBILITY TO, 3; Susceptibility to Acute Necrotizing Encephalopathy 1. Identifiers: Orphanet 88619, MedGen C2675556, MONDO:0011953, OMIM 608033.

Submission:

Labcorp Genetics (formerly Invitae), Labcorp
Classification: Uncertain significance for Familial acute necrotizing encephalopathy. Last evaluated: 2023-12-01. Review status: criteria provided, single submitter. Criteria: Invitae Variant Classification Sherloc (09022015). Collection method: clinical testing. Allele origin: germline.
Comment: This sequence change replaces proline, which is neutral and non-polar, with leucine, which is neutral and non-polar, at codon 611 of the RANBP2 protein (p.Pro611Leu). This variant is not present in population databases (gnomAD no frequency). This variant has not been reported in the literature in individuals affected with RANBP2-related conditions. An algorithm developed to predict the effect of missense changes on protein structure and function (PolyPhen-2) suggests that this variant is likely to be tolerated. In summary, the available evidence is currently insufficient to determine the role of this variant in disease. Therefore, it has been classified as a Variant of Uncertain Significance.

NM_006267.5(RANBP2):c.1832C>T (p.Pro611Leu)

Gene: RANBP2 (RAN binding protein 2; plus strand). Cytogenetic location: 2q13.
Variant type: single nucleotide variant.
Coding change: c.1832C>T on transcript NM_006267.5 (MANE Select); coding-DNA position 1832, C replaced by T.
Protein change: p.Pro611Leu; replaces proline 611 with leucine.
Molecular consequence: missense variant.
Genome position (GRCh38, 1-based): chr2:108,753,074, C>T. VCF-style: chr2-108753074-C-T. GRCh37 (hg19) VCF-style: chr2-109369530-C-T.
Other names: c.1832C>T, p.Pro611Leu (NM_001415871.1, NM_001415873.1); c.1829C>T, p.Pro610Leu (NM_001415872.1); short protein forms P610L, P611L.
Identifiers: ClinVar variation 2772225 (VCV002772225.3), dbSNP rs2467521194, ClinGen allele CA348051586.